The following is an entry in ClinVar:

ClinVar aggregate classification (germline): Uncertain significance (1 of 4 stars; one submission).

Conditions:
Autosomal dominant hypocalcemia 1 (HYPOC1). Also called: HYPOCALCEMIA, FAMILIAL. Identifiers: MedGen C3715128, MONDO:0011013, OMIM 601198.
Familial hypocalciuric hypercalcemia (FHH). Also called: Familial benign hypercalcemia. Identifiers: Orphanet 405, MedGen C1809471, MONDO:0018458.

Submission:

Labcorp Genetics (formerly Invitae), Labcorp
Classification: Uncertain significance for Familial hypocalciuric hypercalcemia; Autosomal dominant hypocalcemia 1. Last evaluated: 2025-01-23. Review status: criteria provided, single submitter. Criteria: Invitae Variant Classification Sherloc (09022015). Collection method: clinical testing. Allele origin: germline.
Comment: This sequence change replaces tryptophan, which is neutral and slightly polar, with cysteine, which is neutral and slightly polar, at codon 675 of the CASR protein (p.Trp675Cys). This variant is not present in population databases (gnomAD no frequency). This variant has not been reported in the literature in individuals affected with CASR-related conditions. An algorithm developed to predict the effect of missense changes on protein structure and function (PolyPhen-2) suggests that this variant is likely to be disruptive. In summary, the available evidence is currently insufficient to determine the role of this variant in disease. Therefore, it has been classified as a Variant of Uncertain Significance.

NM_000388.4(CASR):c.2025G>C (p.Trp675Cys)

Gene: CASR (calcium sensing receptor; plus strand). Cytogenetic location: 3q21.1.
Variant type: single nucleotide variant.
Coding change: c.2025G>C on transcript NM_000388.4 (MANE Select); coding-DNA position 2025, G replaced by C.
Protein change: p.Trp675Cys; replaces tryptophan 675 with cysteine.
Molecular consequence: missense variant.
Genome position (GRCh38, 1-based): chr3:122,283,979, G>C. VCF-style: chr3-122283979-G-C. GRCh37 (hg19) VCF-style: chr3-122002826-G-C.
Other names: c.2055G>C, p.Trp685Cys (NM_001178065.2); short protein forms W675C, W685C.
Identifiers: ClinVar variation 3760417 (VCV003760417.2).